The following is an entry in ClinVar:

ClinVar aggregate classification (germline): Uncertain significance (1 of 4 stars; one submission).

gnomAD v4.1: 12 of 1,614,022 alleles (0.00074%); highest among the groups gnomAD compares: Non-Finnish European, 0.00085%; no homozygotes.

Submission:

Labcorp Genetics (formerly Invitae), Labcorp
Classification: Uncertain significance. Last evaluated: 2024-08-03. Review status: criteria provided, single submitter. Criteria: Invitae Variant Classification Sherloc (09022015). Collection method: clinical testing. Allele origin: germline.
Comment: This sequence change replaces serine, which is neutral and polar, with threonine, which is neutral and polar, at codon 64 of the HMCN1 protein (p.Ser64Thr). This variant is present in population databases (rs777319602, gnomAD 0.004%). This variant has not been reported in the literature in individuals affected with HMCN1-related conditions. An algorithm developed to predict the effect of missense changes on protein structure and function (PolyPhen-2) suggests that this variant is likely to be disruptive. In summary, the available evidence is currently insufficient to determine the role of this variant in disease. Therefore, it has been classified as a Variant of Uncertain Significance.

NM_031935.3(HMCN1):c.190T>A (p.Ser64Thr)

Gene: HMCN1 (hemicentin 1; plus strand). Cytogenetic location: 1q25.3.
Variant type: single nucleotide variant.
Coding change: c.190T>A on transcript NM_031935.3 (MANE Select); coding-DNA position 190, T replaced by A.
Protein change: p.Ser64Thr; replaces serine 64 with threonine.
Molecular consequence: missense variant.
Genome position (GRCh38, 1-based): chr1:185,734,969, T>A. VCF-style: chr1-185734969-T-A. GRCh37 (hg19) VCF-style: chr1-185704101-T-A.
Other names: short protein forms S64T.
Identifiers: ClinVar variation 3623753 (VCV003623753.2).